The following is an entry in ClinVar:

ClinVar aggregate classification (germline): Pathogenic (1 of 4 stars; one submission).

Conditions:
Developmental and epileptic encephalopathy 94 (DEE94). Also called: CHD2-Related Neurodevelopmental Disorders; Epileptic encephalopathy, childhood-onset. Identifiers: Orphanet 1942, Orphanet 2382, MedGen C3809278, MONDO:0014150, OMIM 615369.

Submission:

Labcorp Genetics (formerly Invitae), Labcorp
Classification: Pathogenic for Developmental and epileptic encephalopathy 94. Last evaluated: 2019-03-03. Review status: criteria provided, single submitter. Criteria: Invitae Variant Classification Sherloc (09022015). Collection method: clinical testing. Allele origin: germline.
Comment: Loss-of-function variants in CHD2 are known to be pathogenic (PMID: 23708187, 24207121). This sequence change creates a premature translational stop signal (p.Thr632Asnfs*4) in the CHD2 gene. It is expected to result in an absent or disrupted protein product. This variant is not present in population databases (ExAC no frequency). This variant has not been reported in the literature in individuals with CHD2-related conditions. For these reasons, this variant has been classified as Pathogenic.

Literature cited by the submitters: PubMed 23708187; PubMed 24207121.

NM_001271.4(CHD2):c.1894dup (p.Thr632fs)

Gene: CHD2 (chromodomain helicase DNA binding protein 2; plus strand). Cytogenetic location: 15q26.1.
Variant type: Duplication.
Coding change: c.1894dup on transcript NM_001271.4 (MANE Select); coding-DNA position 1894, one base duplicated (A; older notation c.1894dupA).
Protein change: p.Thr632fs; shifts the reading frame from threonine 632.
Molecular consequence: frameshift variant.
Genome position (GRCh38, 1-based): chr15:92,956,543, A duplicated; the last of 4 consecutive A bases (chr15:92,956,540-92,956,543); duplicating any one gives the same sequence. VCF-style (leftmost placement, unchanged base first): chr15-92956539-T-TA. GRCh37 (hg19) VCF-style: chr15-93499769-T-TA.
Other names: short protein forms T632fs.
Identifiers: ClinVar variation 850653 (VCV000850653.8), dbSNP rs2053619207, ClinGen allele CA916083452.